The following is an entry in ClinVar:

NM_000540.3(RYR1):c.9586C>G (p.Arg3196Gly)

Gene: RYR1 (ryanodine receptor 1; plus strand). Cytogenetic location: 19q13.2.
Variant type: single nucleotide variant.
Coding change: c.9586C>G on transcript NM_000540.3 (MANE Select); coding-DNA position 9586, C replaced by G.
Protein change: p.Arg3196Gly; replaces arginine 3196 with glycine.
Molecular consequence: missense variant.
Genome position (GRCh38, 1-based): chr19:38,516,118, C>G. VCF-style: chr19-38516118-C-G. GRCh37 (hg19) VCF-style: chr19-39006758-C-G.
Other names: c.9586C>G, p.Arg3196Gly (NM_001042723.2); short protein forms R3196G.
Identifiers: ClinVar variation 3385507 (VCV003385507.1).

ClinVar aggregate classification (germline): Uncertain significance (1 of 4 stars; one submission).

Conditions:
Malignant hyperthermia, susceptibility to, 1 (MHS1). Also called: Anesthesia related hyperthermia; Malignant hyperpyrexia; Fulminating hyperpyrexia; Pharmacogenic myopathy; Malignant hyperthermia suceptibility 1; RYR1-Related Malignant Hyperthermia Susceptibility. Identifiers: Orphanet 423, MedGen C2930980, MONDO:0007783, OMIM 145600.

gnomAD v4.1: 1 of 1,549,814 alleles (0.000065%); highest among the groups gnomAD compares: Non-Finnish European, 0.000087%; no homozygotes.

Submission:

All of Us Research Program, National Institutes of Health
Classification: Uncertain significance for Malignant hyperthermia, susceptibility to, 1. Last evaluated: 2024-03-05. Review status: criteria provided, single submitter. Criteria: ACMG Guidelines, 2015. Collection method: clinical testing. Allele origin: germline. Inheritance: Autosomal dominant inheritance. Observed: 1 variant allele, 1 heterozygote.
Comment: This study involves interpretation of variants in research participants for the purpose of population health screening. Participant phenotype was not available at the time of variant classification. Additional details can be found in publication PMID: 35346344, PMCID: PMC8962531